The following is an entry in ClinVar:

NM_006915.3(RP2):c.284C>T (p.Pro95Leu)

Gene: RP2 (RP2 activator of ARL3 GTPase; plus strand). Cytogenetic location: Xp11.3.
Variant type: single nucleotide variant.
Coding change: c.284C>T on transcript NM_006915.3 (MANE Select); coding-DNA position 284, C replaced by T.
Protein change: p.Pro95Leu; replaces proline 95 with leucine.
Molecular consequence: missense variant.
Genome position (GRCh38, 1-based): chrX:46,853,657, C>T. VCF-style: chrX-46853657-C-T. GRCh37 (hg19) VCF-style: chrX-46713092-C-T.
Other names: short protein forms P95L.
Identifiers: ClinVar variation 1067693 (VCV001067693.9), dbSNP rs2147081255, ClinGen allele CA413039194.

ClinVar aggregate classification (germline): Pathogenic (1 of 4 stars; one submission).

Submission:

Labcorp Genetics (formerly Invitae), Labcorp
Classification: Pathogenic. Last evaluated: 2023-08-04. Review status: criteria provided, single submitter. Criteria: Invitae Variant Classification Sherloc (09022015). Collection method: clinical testing. Allele origin: germline.
Comment: For these reasons, this variant has been classified as Pathogenic. Experimental studies have shown that this missense change affects RP2 function (PMID: 21738648, 28209709). Advanced modeling of protein sequence and biophysical properties (such as structural, functional, and spatial information, amino acid conservation, physicochemical variation, residue mobility, and thermodynamic stability) has been performed at Invitae for this missense variant, however the output from this modeling did not meet the statistical confidence thresholds required to predict the impact of this variant on RP2 protein function. ClinVar contains an entry for this variant (Variation ID: 1067693). This missense change has been observed in individuals with clinical features of retinitis pigmentosa (PMID: 10937588; Invitae). It has also been observed to segregate with disease in related individuals. This variant is not present in population databases (gnomAD no frequency). This sequence change replaces proline, which is neutral and non-polar, with leucine, which is neutral and non-polar, at codon 95 of the RP2 protein (p.Pro95Leu).

Literature cited by the submitters: PubMed 21738648; PubMed 28209709; PubMed 10937588.